The following is an entry in ClinVar:

NM_007055.4(POLR3A):c.1876G>A (p.Gly626Ser)

Gene: POLR3A (RNA polymerase III subunit A; minus strand). Cytogenetic location: 10q22.3.
Variant type: single nucleotide variant.
Coding change: c.1876G>A on transcript NM_007055.4 (MANE Select); coding-DNA position 1876, G replaced by A.
Protein change: p.Gly626Ser; replaces glycine 626 with serine.
Molecular consequence: missense variant.
Genome position (GRCh38, 1-based): chr10:78,009,570, C>T on the plus strand (G>A on the coding strand, the complement: POLR3A is on the minus strand). VCF-style: chr10-78009570-C-T. GRCh37 (hg19) VCF-style: chr10-79769328-C-T.
Other names: short protein forms G626S.
Identifiers: ClinVar variation 1713315 (VCV001713315.5), dbSNP rs1341185358, ClinGen allele CA377340665.

ClinVar aggregate classification (germline): Uncertain significance (1 of 4 stars; one submission).

Allele frequency attached by ClinVar (database versions not stated): gnomAD 0.00001; TOPMed below 0.00001.
gnomAD v4.1: 3 of 1,614,090 alleles (0.00019%); highest among the groups gnomAD compares: Non-Finnish European, 0.00025%; no homozygotes.

Submission:

Labcorp Genetics (formerly Invitae), Labcorp
Classification: Uncertain significance. Last evaluated: 2022-07-22. Review status: criteria provided, single submitter. Criteria: Invitae Variant Classification Sherloc (09022015). Collection method: clinical testing. Allele origin: germline.
Comment: In summary, the available evidence is currently insufficient to determine the role of this variant in disease. Therefore, it has been classified as a Variant of Uncertain Significance. Algorithms developed to predict the effect of missense changes on protein structure and function (SIFT, PolyPhen-2, Align-GVGD) all suggest that this variant is likely to be tolerated. This variant has not been reported in the literature in individuals affected with POLR3A-related conditions. This variant is not present in population databases (gnomAD no frequency). This sequence change replaces glycine, which is neutral and non-polar, with serine, which is neutral and polar, at codon 626 of the POLR3A protein (p.Gly626Ser).